The following is an entry in ClinVar:

ClinVar aggregate classification (germline): Likely benign (1 of 4 stars; one submission).

Allele frequency attached by ClinVar (database versions not stated): TOPMed 0.00001; gnomAD 0.00003; ExAC 0.00005.
gnomAD v4.1: 48 of 1,613,212 alleles (0.003%); highest among the groups gnomAD compares: South Asian, 0.0077%; no homozygotes.

Submission:

CeGaT Center for Human Genetics Tuebingen
Classification: Likely benign. Last evaluated: 2023-06-01. Review status: criteria provided, single submitter. Criteria: CeGaT Center For Human Genetics Tuebingen Variant Classification Criteria Version 2. Collection method: clinical testing. Allele origin: germline. Affected: yes. Observed: 2 variant alleles.
Comment: ANKRD11: BP4, BS2

NM_013275.6(ANKRD11):c.4535G>A (p.Arg1512His)

Gene: ANKRD11 (ankyrin repeat domain 11; minus strand). Cytogenetic location: 16q24.3.
Variant type: single nucleotide variant.
Coding change: c.4535G>A on transcript NM_013275.6 (MANE Select); coding-DNA position 4535, G replaced by A.
Protein change: p.Arg1512His; replaces arginine 1512 with histidine.
Molecular consequence: missense variant.
Genome position (GRCh38, 1-based): chr16:89,282,007, C>T on the plus strand (G>A on the coding strand, the complement: ANKRD11 is on the minus strand). VCF-style: chr16-89282007-C-T. GRCh37 (hg19) VCF-style: chr16-89348415-C-T.
Other names: c.4535G>A, p.Arg1512His (NM_001256182.2, NM_001256183.2); short protein forms R1512H.
Identifiers: ClinVar variation 2647077 (VCV002647077.24), dbSNP rs780686131, ClinGen allele CA8242084.